The following is an entry in ClinVar:

NM_178857.6(RP1L1):c.92C>T (p.Thr31Met)

Gene: RP1L1 (RP1 like 1). Cytogenetic location: 8p23.1.
Variant type: single nucleotide variant.
Coding change: c.92C>T on transcript NM_178857.6 (MANE Select); coding-DNA position 92, C replaced by T.
Protein change: p.Thr31Met; replaces threonine 31 with methionine.
Molecular consequence: missense variant.
Genome position (GRCh38, 1-based): chr8:10,623,110, G>A on the plus strand (C>T on the coding strand, the complement: RP1L1 is on the minus strand). VCF-style: chr8-10623110-G-A. GRCh37 (hg19) VCF-style: chr8-10480620-G-A.
Other names: c.92C>T (NM_178857.5); short protein forms T31M.
Identifiers: ClinVar variation 1061691 (VCV001061691.12), dbSNP rs370516875, ClinGen allele CA4625879.
Genomic context (GRCh38, chr8:10,623,110, plus strand): 5'-AGGCGGACCCCAGCAAACCGTGGATCCCCTCGCTTGAGGAAGGTGATCTTCTTGGCTGGC[G>A]TGACCTTGGTGACCGAGGGGGTGCGAGCCACAGAGGGCAGGAAGCACTCACGGTGGCTCG-3'
Protein context (NP_849188.4, residues 21-41): VARTPSVTKV[Thr31Met]PAKKITFLKR

ClinVar aggregate classification (germline): Uncertain significance. Review status: criteria provided, multiple submitters, no conflicts (2 of 4 stars). 4 submissions from 4 submitters: Uncertain significance (4). Last evaluated 2026-04-29.

Conditions:
RP1L1-related disorder. Also called: RP1L1-related condition.
Inborn genetic diseases. Identifiers: MedGen C0950123, MeSH D030342.

Allele frequency attached by ClinVar (database versions not stated): gnomAD 0.00003 and 0.00001; gnomAD exomes 0.00004 and 0.00002; ExAC 0.00003; TOPMed 0.00004; ESP Exome Variant Server 0.00008.
gnomAD v4.1: 70 of 1,613,020 alleles (0.0043%); highest among the groups gnomAD compares: Middle Eastern, 0.066%; no homozygotes.

Submissions (4):

PreventionGenetics, part of Exact Sciences
Classification: Uncertain significance for RP1L1-related condition. Last evaluated: 2026-04-29. Review status: criteria provided, single submitter. Criteria: ACMG Guidelines, 2015. Collection method: clinical testing. Allele origin: germline.
Comment: The RP1L1 c.92C>T variant is predicted to result in the amino acid substitution p.Thr31Met. To our knowledge, this variant has not been reported in the literature. This variant is reported in 0.0033% of alleles in individuals of South Asian descent in gnomAD. At this time, the clinical significance of this variant is uncertain due to the absence of conclusive functional and genetic evidence.

Labcorp Genetics (formerly Invitae), Labcorp
Classification: Uncertain significance. Last evaluated: 2025-04-30. Review status: criteria provided, single submitter. Criteria: Invitae Variant Classification Sherloc (09022015). Collection method: clinical testing. Allele origin: germline.
Comment: This sequence change replaces threonine, which is neutral and polar, with methionine, which is neutral and non-polar, at codon 31 of the RP1L1 protein (p.Thr31Met). This variant is present in population databases (rs370516875, gnomAD 0.007%). This variant has not been reported in the literature in individuals affected with RP1L1-related conditions. ClinVar contains an entry for this variant (Variation ID: 1061691). Invitae Evidence Modeling of protein sequence and biophysical properties (such as structural, functional, and spatial information, amino acid conservation, physicochemical variation, residue mobility, and thermodynamic stability) indicates that this missense variant is not expected to disrupt RP1L1 protein function with a negative predictive value of 80%. In summary, the available evidence is currently insufficient to determine the role of this variant in disease. Therefore, it has been classified as a Variant of Uncertain Significance.

Blueprint Genetics
Classification: Uncertain significance. Last evaluated: 2023-02-22. Review status: criteria provided, single submitter. Criteria: ACMG Guidelines, 2015. Collection method: clinical testing. Allele origin: germline.

Ambry Genetics
Classification: Uncertain significance for Inborn genetic diseases. Last evaluated: 2021-10-05. Review status: criteria provided, single submitter. Criteria: Ambry Variant Classification Scheme 2023. Collection method: clinical testing. Allele origin: germline.